The following is an entry in ClinVar:

NM_014915.3(ANKRD26):c.3925A>G (p.Met1309Val)

Gene: ANKRD26 (ankyrin repeat domain containing 26; minus strand). Cytogenetic location: 10p12.1.
Variant type: single nucleotide variant.
Coding change: c.3925A>G on transcript NM_014915.3 (MANE Select); coding-DNA position 3925, A replaced by G.
Protein change: p.Met1309Val; replaces methionine 1309 with valine.
Molecular consequence: missense variant.
Genome position (GRCh38, 1-based): chr10:27,028,899, T>C on the plus strand (A>G on the coding strand, the complement: ANKRD26 is on the minus strand). VCF-style: chr10-27028899-T-C. GRCh37 (hg19) VCF-style: chr10-27317828-T-C.
Other names: c.3922A>G, p.Met1308Val (NM_001256053.2); short protein forms M1308V, M1309V.
Identifiers: ClinVar variation 3869310 (VCV003869310.1).

ClinVar aggregate classification (germline): Uncertain significance (1 of 4 stars; one submission).

Conditions:
Inborn genetic diseases. Identifiers: MedGen C0950123, MeSH D030342.

Submission:

Ambry Genetics
Classification: Uncertain significance for Inborn genetic diseases. Last evaluated: 2024-12-16. Review status: criteria provided, single submitter. Criteria: Ambry Variant Classification Scheme 2023. Collection method: clinical testing. Allele origin: germline.
Comment: The p.M1309V variant (also known as c.3925A>G), located in coding exon 27 of the ANKRD26 gene, results from an A to G substitution at nucleotide position 3925. The methionine at codon 1309 is replaced by valine, an amino acid with highly similar properties. This amino acid position is conserved. In addition, this alteration is predicted to be tolerated by in silico analysis. Based on the available evidence, the clinical significance of this variant remains unclear.